The following is an entry in ClinVar:

ClinVar aggregate classification (germline): Conflicting classifications of pathogenicity. Review status: criteria provided, conflicting classifications (1 of 4 stars). 3 submissions from 3 submitters: Uncertain significance (2); Likely benign (1). Last evaluated 2025-12-15.

Conditions:
Brugada syndrome 8 (BRGDA8). Identifiers: Orphanet 130, MedGen C2751083, MONDO:0013148, OMIM 613123.
Cardiovascular phenotype. Identifiers: MedGen CN230736.

Allele frequency attached by ClinVar (database versions not stated): ExAC 0.00001; ESP Exome Variant Server 0.00008; gnomAD exomes 0.00001.
gnomAD v4.1: 3 of 1,607,278 alleles (0.00019%); highest among the groups gnomAD compares: Non-Finnish European, 0.00025%; no homozygotes.

Submissions (3):

Labcorp Genetics (formerly Invitae), Labcorp
Classification: Uncertain significance for Brugada syndrome 8. Last evaluated: 2025-12-15. Review status: criteria provided, single submitter. Criteria: Invitae Variant Classification Sherloc (09022015). Collection method: clinical testing. Allele origin: germline.
Comment: This sequence change replaces threonine, which is neutral and polar, with alanine, which is neutral and non-polar, at codon 766 of the HCN4 protein (p.Thr766Ala). This variant is present in population databases (rs372090359, gnomAD 0.0009%). This variant has not been reported in the literature in individuals affected with HCN4-related conditions. ClinVar contains an entry for this variant (Variation ID: 2803637). Invitae Evidence Modeling of protein sequence and biophysical properties (such as structural, functional, and spatial information, amino acid conservation, physicochemical variation, residue mobility, and thermodynamic stability) indicates that this missense variant is not expected to disrupt HCN4 protein function with a negative predictive value of 95%. In summary, the available evidence is currently insufficient to determine the role of this variant in disease. Therefore, it has been classified as a Variant of Uncertain Significance.

Ambry Genetics
Classification: Likely benign for Cardiovascular phenotype. Last evaluated: 2025-05-08. Review status: criteria provided, single submitter. Criteria: Ambry Variant Classification Scheme 2023. Collection method: clinical testing. Allele origin: germline.

Molecular Diagnostic Laboratory for Inherited Cardiovascular Disease, Montreal Heart Institute
Classification: Uncertain significance for Cardiovascular phenotype. Last evaluated: 2025-04-09. Review status: criteria provided, single submitter. Criteria: ACMG Guidelines, 2015. Collection method: clinical testing. Allele origin: germline. Affected: yes.

NM_005477.3(HCN4):c.2296A>G (p.Thr766Ala)

Gene: HCN4 (hyperpolarization activated cyclic nucleotide gated potassium channel 4; minus strand). Cytogenetic location: 15q24.1.
Variant type: single nucleotide variant.
Coding change: c.2296A>G on transcript NM_005477.3 (MANE Select); coding-DNA position 2296, A replaced by G.
Protein change: p.Thr766Ala; replaces threonine 766 with alanine.
Molecular consequence: missense variant.
Genome position (GRCh38, 1-based): chr15:73,323,797, T>C on the plus strand (A>G on the coding strand, the complement: HCN4 is on the minus strand). VCF-style: chr15-73323797-T-C. GRCh37 (hg19) VCF-style: chr15-73616138-T-C.
Other names: c.2296A>G (NM_005477.2); short protein forms T766A.
Identifiers: ClinVar variation 2803637 (VCV002803637.5), dbSNP rs372090359, ClinGen allele CA7649055.